The following is an entry in ClinVar:

NM_022367.4(SEMA4A):c.38T>C (p.Leu13Pro)

Genes: SEMA4A (semaphorin 4A; plus strand), LOC129931603 (ATAC-STARR-seq lymphoblastoid active region 1849; plus strand). Cytogenetic location: 1q22.
Variant type: single nucleotide variant.
Coding change: c.38T>C on transcript NM_022367.4 (MANE Select); coding-DNA position 38, T replaced by C.
Protein change: p.Leu13Pro; replaces leucine 13 with proline.
Molecular consequence: missense variant. On other transcripts: 5 prime UTR variant (1), intron variant (3).
Genome position (GRCh38, 1-based): chr1:156,154,616, T>C. VCF-style: chr1-156154616-T-C. GRCh37 (hg19) VCF-style: chr1-156124407-T-C.
Other names: c.38T>C, p.Leu13Pro (NM_001193300.2, NM_001193301.2, NM_001370567.1); c.-487T>C (NM_001370571.1); c.-385-1798T>C (NM_001370569.1); c.-158-1798T>C (NM_001370568.1); c.-159+852T>C (NM_001193302.2); c.38T>C (NM_022367.3); short protein forms L13P.
Identifiers: ClinVar variation 1370959 (VCV001370959.10), dbSNP rs568959821, ClinGen allele CA1154883.
Genomic context (GRCh38, chr1:156,154,616, plus strand): 5'-CTGGTGACAGTCTGTGGCTGAGCATGGCCCTCCCAGCCCTGGGCCTGGACCCCTGGAGCC[T>C]CCTGGGCCTTTTCCTCTTCCAACTGCTTCAGCTGCTGCTGCCGACGACGACCGCGGGGGG-3'
Protein context (NP_071762.2, residues 3-23): LPALGLDPWS[Leu13Pro]LGLFLFQLLQ

ClinVar aggregate classification (germline): Conflicting classifications of pathogenicity. Review status: criteria provided, conflicting classifications (1 of 4 stars). 3 submissions from 3 submitters: Uncertain significance (2); Likely benign (1). Last evaluated 2025-11-21.

Allele frequency attached by ClinVar (database versions not stated): TOPMed 0.00002; gnomAD exomes 0.00010 and 0.00020; 1000 Genomes Project 30x 0.00016; ExAC 0.00016; gnomAD 0.00016 and 0.00017; 1000 Genomes Project 0.00020.
gnomAD v4.1: 170 of 1,610,878 alleles (0.011%); highest among the groups gnomAD compares: South Asian, 0.018%; 1 homozygote.

Submissions (3):

Labcorp Genetics (formerly Invitae), Labcorp
Classification: Uncertain significance. Last evaluated: 2025-11-21. Review status: criteria provided, single submitter. Criteria: Invitae Variant Classification Sherloc (09022015). Collection method: clinical testing. Allele origin: germline.
Comment: This sequence change replaces leucine, which is neutral and non-polar, with proline, which is neutral and non-polar, at codon 13 of the SEMA4A protein (p.Leu13Pro). This variant is present in population databases (rs568959821, gnomAD 0.1%), and has an allele count higher than expected for a pathogenic variant. This variant has not been reported in the literature in individuals affected with SEMA4A-related conditions. ClinVar contains an entry for this variant (Variation ID: 1370959). An algorithm developed to predict the effect of missense changes on protein structure and function outputs the following: PolyPhen-2: "Benign". The proline amino acid residue is found in multiple mammalian species, which suggests that this missense change does not adversely affect protein function. In summary, the available evidence is currently insufficient to determine the role of this variant in disease. Therefore, it has been classified as a Variant of Uncertain Significance.

Blueprint Genetics
Classification: Likely benign. Last evaluated: 2024-10-09. Review status: criteria provided, single submitter. Criteria: ACMG Guidelines, 2015. Collection method: clinical testing. Allele origin: germline.

Ambry Genetics
Classification: Uncertain significance. Last evaluated: 2023-10-05. Review status: criteria provided, single submitter. Criteria: Ambry Variant Classification Scheme 2023. Collection method: clinical testing. Allele origin: germline.